The following is an entry in ClinVar:

NM_001029883.3(PCARE):c.*1663C>T

Gene: PCARE (photoreceptor cilium actin regulator; minus strand). Cytogenetic location: 2p23.2.
Variant type: single nucleotide variant.
Coding change: c.*1663C>T on transcript NM_001029883.3 (MANE Select); 1663 bases downstream of the stop codon, C replaced by T.
Molecular consequence: 3 prime UTR variant.
Genome position (GRCh38, 1-based): chr2:29,063,206, G>A on the plus strand (C>T on the coding strand, the complement: PCARE is on the minus strand). VCF-style: chr2-29063206-G-A. GRCh37 (hg19) VCF-style: chr2-29286072-G-A.
Identifiers: ClinVar variation 335599 (VCV000335599.6), dbSNP rs958584, ClinGen allele CA10613565.

ClinVar aggregate classification (germline): Benign. Review status: criteria provided, multiple submitters, no conflicts (2 of 4 stars). 2 submissions from 2 submitters: Benign (2). Last evaluated 2018-01-13.

Conditions:
Retinitis pigmentosa (RP). Identifiers: Orphanet 791, MedGen C0035334, MeSH D012174, MONDO:0019200, OMIM 268000. Inheritance: Autosomal dominant, autosomal recessive and X linked inheritance.

Allele frequency attached by ClinVar (database versions not stated): gnomAD exomes 0.49167; gnomAD 0.51823 and 0.52125; TOPMed 0.52855; 1000 Genomes Project 30x 0.57761; 1000 Genomes Project 0.58007.

Submissions (2):

Illumina Laboratory Services, Illumina
Classification: Benign for Retinitis pigmentosa. Last evaluated: 2018-01-13. Review status: criteria provided, single submitter. Criteria: ICSL Variant Classification Criteria 13 December 2019. Collection method: clinical testing. Allele origin: germline.
Comment: This variant was observed in the ICSL laboratory as part of a predisposition screen in an ostensibly healthy population. It had not been previously curated by ICSL or reported in the Human Gene Mutation Database (HGMD: prior to June 1st, 2018), and was therefore a candidate for classification through an automated scoring system. Utilizing variant allele frequency, disease prevalence and penetrance estimates, and inheritance mode, an automated score was calculated to assess if this variant is too frequent to cause the disease. Based on the score and internal cut-off values, a variant classified as benign is not then subjected to further curation. The score for this variant resulted in a classification of benign for this disease.

Breakthrough Genomics
Classification: Benign. Review status: criteria provided, single submitter. Criteria: ACMG Guidelines, 2015. Collection method: not provided. Allele origin: germline. Inheritance: Unknown mechanism. Affected: yes.